The following is an entry in ClinVar:

NM_000321.3(RB1):c.734C>T (p.Pro245Leu)

Gene: RB1 (RB transcriptional corepressor 1; plus strand). Cytogenetic location: 13q14.2.
Variant type: single nucleotide variant.
Coding change: c.734C>T on transcript NM_000321.3 (MANE Select); coding-DNA position 734, C replaced by T.
Protein change: p.Pro245Leu; replaces proline 245 with leucine.
Molecular consequence: missense variant.
Genome position (GRCh38, 1-based): chr13:48,362,830, C>T. VCF-style: chr13-48362830-C-T. GRCh37 (hg19) VCF-style: chr13-48936966-C-T.
Other names: c.734C>T (NM_000321.2); short protein forms P245L.
Identifiers: ClinVar variation 1472572 (VCV001472572.9), dbSNP rs2138112166, ClinGen allele CA388159263.

ClinVar aggregate classification (germline): Uncertain significance. Review status: criteria provided, multiple submitters, no conflicts (2 of 4 stars). 2 submissions from 2 submitters: Uncertain significance (2). Last evaluated 2024-05-10.

Conditions:
Hereditary cancer-predisposing syndrome. Also called: Neoplastic Syndromes, Hereditary; Hereditary Cancer Syndrome; Tumor predisposition; Hereditary neoplastic syndrome. Identifiers: Orphanet 140162, MedGen C0027672, MeSH D009386, MONDO:0015356.
Retinoblastoma (RB1). Also called: RETINOBLASTOMA, SOMATIC. Identifiers: Orphanet 790, MedGen C0035335, MeSH D012175, MONDO:0008380, OMIM 180200, HP:0009919. Disease mechanism: loss of function. Inheritance: Both sporadic and heritable forms are tested..

Submissions (2):

Ambry Genetics
Classification: Uncertain significance for Hereditary cancer-predisposing syndrome. Last evaluated: 2024-05-10. Review status: criteria provided, single submitter. Criteria: Ambry Variant Classification Scheme 2023. Collection method: clinical testing. Allele origin: germline.
Comment: The p.P245L variant (also known as c.734C>T), located in coding exon 8 of the RB1 gene, results from a C to T substitution at nucleotide position 734. The proline at codon 245 is replaced by leucine, an amino acid with similar properties. This amino acid position is conserved. In addition, the in silico prediction for this alteration is inconclusive. Based on the available evidence, the clinical significance of this variant remains unclear.

Labcorp Genetics (formerly Invitae), Labcorp
Classification: Uncertain significance for Retinoblastoma. Last evaluated: 2021-01-26. Review status: criteria provided, single submitter. Criteria: Invitae Variant Classification Sherloc (09022015). Collection method: clinical testing. Allele origin: germline.
Comment: This sequence change replaces proline with leucine at codon 245 of the RB1 protein (p.Pro245Leu). The proline residue is moderately conserved and there is a moderate physicochemical difference between proline and leucine. This variant is not present in population databases (ExAC no frequency). This variant has not been reported in the literature in individuals with RB1-related conditions. Algorithms developed to predict the effect of missense changes on protein structure and function (SIFT, PolyPhen-2, Align-GVGD) all suggest that this variant is likely to be tolerated, but these predictions have not been confirmed by published functional studies and their clinical significance is uncertain. In summary, the available evidence is currently insufficient to determine the role of this variant in disease. Therefore, it has been classified as a Variant of Uncertain Significance.